The following is an entry in ClinVar:

NM_024120.5(NDUFAF5):c.533T>G (p.Leu178Ter)

Gene: NDUFAF5 (NADH:ubiquinone oxidoreductase complex assembly factor 5; plus strand). Cytogenetic location: 20p12.1.
Variant type: single nucleotide variant.
Coding change: c.533T>G on transcript NM_024120.5 (MANE Select); coding-DNA position 533, T replaced by G.
Protein change: p.Leu178Ter; replaces leucine 178 with a stop codon.
Molecular consequence: nonsense. On other transcripts: 5 prime UTR variant (2), non-coding transcript variant (7).
Genome position (GRCh38, 1-based): chr20:13,801,499, T>G. VCF-style: chr20-13801499-T-G. GRCh37 (hg19) VCF-style: chr20-13782145-T-G.
Other names: c.449T>G, p.Leu150Ter (NM_001039375.3); c.62T>G, p.Leu21Ter (NM_001352403.2); c.-29T>G (NM_001352406.2, NM_001352407.2); c.533T>G, p.Leu178Ter (NM_001352408.2); short protein forms L178*, L150*, L21*.
Identifiers: ClinVar variation 3644486 (VCV003644486.2).
Genomic context (GRCh38, chr20:13,801,499, plus strand): 5'-ATATATATAAAAATTTGAATCATTTTGTTTTCTTGTATTTATTACAGATTCATTATATTT[T>G]AAAACCAGATGGAGTGTTTATCGGTGCAATGTTTGGAGGCGACACACTCTATGAACTTCG-3'

ClinVar aggregate classification (germline): Pathogenic (1 of 4 stars; one submission).

Submission:

Labcorp Genetics (formerly Invitae), Labcorp
Classification: Pathogenic. Last evaluated: 2025-06-03. Review status: criteria provided, single submitter. Criteria: Invitae Variant Classification Sherloc (09022015). Collection method: clinical testing. Allele origin: germline.
Comment: This sequence change creates a premature translational stop signal (p.Leu178*) in the NDUFAF5 gene. It is expected to result in an absent or disrupted protein product. Loss-of-function variants in NDUFAF5 are known to be pathogenic (PMID: 26275793, 30473481, 32918965). This variant is not present in population databases (gnomAD no frequency). This variant has not been reported in the literature in individuals affected with NDUFAF5-related conditions. ClinVar contains an entry for this variant (Variation ID: 3644486). For these reasons, this variant has been classified as Pathogenic.

Literature cited by the submitters: PubMed 26275793; PubMed 30473481; PubMed 32918965.